The following is an entry in ClinVar:

ClinVar aggregate classification (germline): Likely pathogenic (1 of 4 stars; one submission).

Submission:

Quest Diagnostics Nichols Institute San Juan Capistrano
Classification: Likely pathogenic. Last evaluated: 2022-12-16. Review status: criteria provided, single submitter. Criteria: Quest Diagnostics criteria. Collection method: clinical testing. Allele origin: unknown.
Comment: This frameshift variant alters the translational reading frame of the MSH6 mRNA and is predicted to cause the premature termination of MSH6 protein synthesis. The variant has not been reported in individuals with MSH6-related diseases in the published literature. It also has not been reported in large, multi-ethnic general populations. Based on the available information, this variant is classified as likely pathogenic.

NM_000179.3(MSH6):c.884_960del (p.Lys295fs)

Gene: MSH6 (mutS homolog 6; plus strand). Cytogenetic location: 2p16.3.
Variant type: Deletion.
Coding change: c.884_960del on transcript NM_000179.3 (MANE Select); coding-DNA positions 884 to 960, 77 bases deleted.
Protein change: p.Lys295fs; shifts the reading frame from lysine 295.
Molecular consequence: frameshift variant. On other transcripts: initiator codon variant (9), non-coding transcript variant (4), intron variant (1).
Genome position (GRCh38, 1-based): chr2:47,798,867-47,798,943, 77 bases deleted. GRCh37 (hg19): chr2:48,026,006-48,026,082.
Other names: c.884_960del77, p.Lys295Ilefs (NM_000179.2); c.494_570del, p.Lys165fs (NM_001281492.2); c.-23_54del, p.Met1fs (NM_001281493.2, NM_001281494.2, NM_001406811.1 and 6 more transcripts); c.980_1056del, p.Lys327fs (NM_001406795.1, NM_001406802.1); c.884_960del, p.Lys295fs (NM_001406796.1, NM_001406798.1, NM_001406800.1 and 4 more transcripts); c.587_663del, p.Lys196fs (NM_001406797.1, NM_001406801.1, NM_001406805.1 and 10 more transcripts); c.359_435del, p.Lys120fs (NM_001406799.1, NM_001406806.1, NM_001406807.1); c.806_882del, p.Lys269fs (NM_001406804.1); and 3 more; short protein forms K120fs, K165fs, K196fs, K239fs, K269fs, K295fs, K297fs, K327fs.
Identifiers: ClinVar variation 2682027 (VCV002682027.1), dbSNP rs2530576085, ClinGen allele CA2697548121.